The following is an entry in ClinVar:

NM_001042492.3(NF1):c.3315-3C>G

Gene: NF1 (neurofibromin 1; plus strand). Cytogenetic location: 17q11.2.
Variant type: single nucleotide variant.
Coding change: c.3315-3C>G on transcript NM_001042492.3 (MANE Select); 3 bases into the intron before coding-DNA position 3315, C replaced by G.
Molecular consequence: intron variant.
Genome position (GRCh38, 1-based): chr17:31,232,697, C>G. VCF-style: chr17-31232697-C-G. GRCh37 (hg19) VCF-style: chr17-29559715-C-G.
Other names: c.3315-3C>G (NM_000267.4).
Identifiers: ClinVar variation 816766 (VCV000816766.10), dbSNP rs752318318, ClinGen allele CA915949881.

ClinVar aggregate classification (germline): Conflicting classifications of pathogenicity. Review status: criteria provided, conflicting classifications (1 of 4 stars). 5 submissions from 5 submitters: Pathogenic (4); Uncertain significance (1). Last evaluated 2026-08-14.
ClinVar aggregate classification (somatic clinical impact): Tier I - Strong (1 of 4 stars; one submission).

Conditions:
Cardiovascular phenotype. Identifiers: MedGen CN230736.
Hereditary cancer-predisposing syndrome. Also called: Tumor predisposition; Hereditary Cancer Syndrome; Neoplastic Syndromes, Hereditary; Hereditary neoplastic syndrome. Identifiers: Orphanet 140162, MedGen C0027672, MeSH D009386, MONDO:0015356.
Neurofibromatosis, type 1 (NF1). Also called: NEUROFIBROMATOSIS, TYPE I, SOMATIC; VON RECKLINGHAUSEN DISEASE; Neurofibromatosis, type I; Peripheral type neurofibromatosis. Identifiers: Orphanet 636, MedGen C0027831, MONDO:0018975, OMIM 162200. Disease mechanism: loss of function.
Diffuse midline glioma, H3 K27M-mutant. Identifiers: MedGen C4289688, MONDO:0957196.

Submissions (6):

Ambry Genetics
Classification: Pathogenic for Cardiovascular phenotype; Hereditary cancer-predisposing syndrome. Last evaluated: 2026-08-14. Review status: criteria provided, single submitter. Criteria: Ambry Variant Classification Scheme 2023. Collection method: clinical testing. Allele origin: germline.
Comment: The c.3315-3C>G intronic pathogenic mutation results from a C to G substitution 3 nucleotides upstream from coding exon 26 in the NF1 gene. This variant was reported in individual(s) with features consistent with neurofibromatosis type 1 (Messiaen LM et al. Hum Mutat, 2000;15:541-55; Wimmer K et al. Hum Mutat, 2020 Jun;41:1145-1156; Ambry internal data). This nucleotide position is not well conserved in available vertebrate species. In silico splice site analysis predicts that this alteration will weaken the native splice acceptor site. RNA studies have demonstrated that this variant results in abnormal splicing (Messiaen LM et al. Hum Mutat, 2000;15:541-55; Wimmer K et al. Hum Mutat, 2020 Jun;41:1145-1156; Douben H et al. Hum Mutat, 2023 Feb;2023:9628049; Ambry internal data). This variant is considered to be rare based on population cohorts in the Genome Aggregation Database (gnomAD). Based on the supporting evidence, this variant is interpreted as a disease-causing mutation.

Institute for Genomic Medicine (IGM) Clinical Laboratory, Nationwide Children's Hospital
Classification: Tier I - Strong for Diffuse midline glioma, H3 K27M-mutant. Assertion type: diagnostic. Clinical significance: supports diagnosis. Last evaluated: 2024-10-14. Review status: criteria provided, single submitter. Criteria: AMP/ASCO/CAP Guidelines, 2017. Collection method: clinical testing. Allele origin: somatic. Affected: yes.
Comment: Variant has Tier I (strong) clinical significance as a diagnostic inclusion criterion in diffuse midline glioma, H3 K27M-mutant, based on the following evidence: 1) Information in the literature supports potential biologic effect of variant (PMID: 32126153). 2) Diagnostic for a specific tumor type/classification based on well-powered studies with expert-level consensus (Evidence Level B; PMIDs: 24705251, 28966033, 33433639, 34796414, 32862234, 34759345, 32582540, 35456430).

Labcorp Genetics (formerly Invitae), Labcorp
Classification: Uncertain significance for Neurofibromatosis, type 1. Last evaluated: 2024-07-30. Review status: criteria provided, single submitter. Criteria: Invitae Variant Classification Sherloc (09022015). Collection method: clinical testing. Allele origin: germline.
Comment: This sequence change falls in intron 25 of the NF1 gene. It does not directly change the encoded amino acid sequence of the NF1 protein. It affects a nucleotide within the consensus splice site. This variant is not present in population databases (gnomAD no frequency). This variant has been observed in individual(s) with clinical features of neurofibromatosis type 1 (PMID: 10862084, 32126153). This variant is also known as IVS19b-3C>G. ClinVar contains an entry for this variant (Variation ID: 816766). Variants that disrupt the consensus splice site are a relatively common cause of aberrant splicing (PMID: 17576681, 9536098). Studies have shown that this variant is associated with inconclusive levels of altered splicing (PMID: 32126153). In summary, the available evidence is currently insufficient to determine the role of this variant in disease. Therefore, it has been classified as a Variant of Uncertain Significance.

Genome-Nilou Lab
Classification: Pathogenic for Neurofibromatosis, type 1. Last evaluated: 2022-03-15. Review status: criteria provided, single submitter. Criteria: ACMG Guidelines, 2015. Collection method: clinical testing. Allele origin: germline. Affected: no.

Institute of Human Genetics, Medical University Innsbruck
Classification: Pathogenic for Neurofibromatosis, type 1. Last evaluated: 2020-01-20. Review status: criteria provided, single submitter. Criteria: ACMG Guidelines, 2015. Collection method: clinical testing. Allele origin: germline. Affected: yes.

UAB Medical Genomics Laboratory, UAB Medicine
Classification: Pathogenic for Neurofibromatosis, type 1. Last evaluated: 2020-01-20. Review status: criteria provided, single submitter. Criteria: ACMG Guidelines, 2015. Collection method: clinical testing. Allele origin: germline. Affected: yes.

Literature cited by the submitters: PubMed 10862084 (cited by Ambry Genetics and Labcorp Genetics (formerly Invitae), Labcorp); PubMed 32126153 (cited by 4 submitters); PubMed 40225167 (cited by Ambry Genetics); PubMed 24705251 (cited by Institute for Genomic Medicine (IGM) Clinical Laboratory, Nationwide Children's Hospital); PubMed 28966033 (cited by Institute for Genomic Medicine (IGM) Clinical Laboratory, Nationwide Children's Hospital); PubMed 33433639 (cited by Institute for Genomic Medicine (IGM) Clinical Laboratory, Nationwide Children's Hospital); PubMed 34796414 (cited by Institute for Genomic Medicine (IGM) Clinical Laboratory, Nationwide Children's Hospital); PubMed 32862234 (cited by Institute for Genomic Medicine (IGM) Clinical Laboratory, Nationwide Children's Hospital); PubMed 34759345 (cited by Institute for Genomic Medicine (IGM) Clinical Laboratory, Nationwide Children's Hospital); PubMed 32582540 (cited by Institute for Genomic Medicine (IGM) Clinical Laboratory, Nationwide Children's Hospital); PubMed 35456430 (cited by Institute for Genomic Medicine (IGM) Clinical Laboratory, Nationwide Children's Hospital); PubMed 17576681 (cited by Labcorp Genetics (formerly Invitae), Labcorp); PubMed 9536098 (cited by Labcorp Genetics (formerly Invitae), Labcorp); DOI 10.1002/humu.24005 (cited by Institute of Human Genetics, Medical University Innsbruck).